The following is an entry in ClinVar:

NM_201253.3(CRB1):c.1696G>T (p.Glu566Ter)

Gene: CRB1 (crumbs cell polarity complex component 1; plus strand). Cytogenetic location: 1q31.3.
Variant type: single nucleotide variant.
Coding change: c.1696G>T on transcript NM_201253.3 (MANE Select); coding-DNA position 1696, G replaced by T.
Protein change: p.Glu566Ter; replaces glutamic acid 566 with a stop codon.
Molecular consequence: nonsense. On other transcripts: non-coding transcript variant (2).
Genome position (GRCh38, 1-based): chr1:197,421,524, G>T. VCF-style: chr1-197421524-G-T. GRCh37 (hg19) VCF-style: chr1-197390654-G-T.
Other names: c.1360G>T, p.Glu454Ter (NM_001193640.2); c.1489G>T, p.Glu497Ter (NM_001257965.2); c.1696G>T, p.Glu566Ter (NM_001257966.2); short protein forms E454*, E497*, E566*.
Identifiers: ClinVar variation 1065708 (VCV001065708.1), dbSNP rs767359805, ClinGen allele CA344032127.
Genomic context (GRCh38, chr1:197,421,524, plus strand): 5'-ATTCAGGTCAATAATCAGTCAAAGGTGCTTCTGTTCATTTCCCACAACACCAGCGATGGA[G>T]AGTGGCATTTCGTGGAGGTAATATTTGCAGAGGCTGTGACCCTTACCTTAATCGACGACT-3'

ClinVar aggregate classification (germline): Likely pathogenic (1 of 4 stars; one submission).

Conditions:
Retinitis pigmentosa 12 (RP12). Also called: RP WITH OR WITHOUT PPRPE; RP WITH OR WITHOUT PRESERVED PARAARTERIOLE RETINAL PIGMENT EPITHELIUM; RETINITIS PIGMENTOSA WITH OR WITHOUT PARAARTERIOLAR PRESERVATION OF RETINAL PIGMENT EPITHELIUM. Identifiers: Orphanet 791, MedGen C1838647, MONDO:0010818, OMIM 600105.

gnomAD v4.1: 3 of 1,614,258 alleles (0.00019%); highest among the groups gnomAD compares: Non-Finnish European, 0.00025%; no homozygotes.

Submission:

Ocular Genomics Institute, Massachusetts Eye and Ear
Classification: Likely pathogenic for Retinitis pigmentosa 12. Last evaluated: 2021-04-08. Review status: criteria provided, single submitter. Criteria: ACMG Guidelines, 2015. Collection method: research. Allele origin: germline. Affected: yes.
Comment: Through a review of available evidence we were able to apply the following criteria: PVS1, PM2. Based on this evidence we have classified this variant as Likely Pathogenic.